The following is an entry in ClinVar:

ClinVar aggregate classification (germline): Uncertain significance (1 of 4 stars; one submission).

Conditions:
Perlman syndrome (PRLMNS). Identifiers: Orphanet 2849, MedGen C0796113, MONDO:0009965, OMIM 267000.

gnomAD v4.1: 3 of 1,614,202 alleles (0.00019%); highest among the groups gnomAD compares: Non-Finnish European, 0.00025%; no homozygotes.

Submission:

Labcorp Genetics (formerly Invitae), Labcorp
Classification: Uncertain significance for Perlman syndrome. Last evaluated: 2022-03-21. Review status: criteria provided, single submitter. Criteria: Invitae Variant Classification Sherloc (09022015). Collection method: clinical testing. Allele origin: germline.
Comment: Algorithms developed to predict the effect of missense changes on protein structure and function output the following: SIFT: "Tolerated"; PolyPhen-2: "Benign"; Align-GVGD: "Class C0". The valine amino acid residue is found in multiple mammalian species, which suggests that this missense change does not adversely affect protein function. In summary, the available evidence is currently insufficient to determine the role of this variant in disease. Therefore, it has been classified as a Variant of Uncertain Significance. This variant has not been reported in the literature in individuals affected with DIS3L2-related conditions. This variant is not present in population databases (gnomAD no frequency). This sequence change replaces isoleucine, which is neutral and non-polar, with valine, which is neutral and non-polar, at codon 467 of the DIS3L2 protein (p.Ile467Val).

NM_152383.5(DIS3L2):c.1399A>G (p.Ile467Val)

Gene: DIS3L2 (DIS3 like 3'-5' exoribonuclease 2; plus strand). Cytogenetic location: 2q37.1.
Variant type: single nucleotide variant.
Coding change: c.1399A>G on transcript NM_152383.5 (MANE Select); coding-DNA position 1399, A replaced by G.
Protein change: p.Ile467Val; replaces isoleucine 467 with valine.
Molecular consequence: missense variant. On other transcripts: non-coding transcript variant (2).
Genome position (GRCh38, 1-based): chr2:232,249,320, A>G. VCF-style: chr2-232249320-A-G. GRCh37 (hg19) VCF-style: chr2-233114030-A-G.
Other names: c.1399A>G, p.Ile467Val (NM_001257281.2); short protein forms I467V.
Identifiers: ClinVar variation 2043854 (VCV002043854.4), dbSNP rs1559174475, ClinGen allele CA351155523.